The following is an entry in ClinVar:

ClinVar aggregate classification (germline): Uncertain significance (1 of 4 stars; one submission).

Allele frequency attached by ClinVar (database versions not stated): ExAC 0.00001; gnomAD 0.00001; gnomAD exomes 0.00001; TOPMed 0.00002.
gnomAD v4.1: 16 of 1,612,978 alleles (0.00099%); highest among the groups gnomAD compares: Admixed American, 0.0017%; no homozygotes.

Submission:

Labcorp Genetics (formerly Invitae), Labcorp
Classification: Uncertain significance. Last evaluated: 2023-05-22. Review status: criteria provided, single submitter. Criteria: Invitae Variant Classification Sherloc (09022015). Collection method: clinical testing. Allele origin: germline.
Comment: In summary, the available evidence is currently insufficient to determine the role of this variant in disease. Therefore, it has been classified as a Variant of Uncertain Significance. Advanced modeling of protein sequence and biophysical properties (such as structural, functional, and spatial information, amino acid conservation, physicochemical variation, residue mobility, and thermodynamic stability) performed at Invitae indicates that this missense variant is not expected to disrupt ATP1A1 protein function. This variant has not been reported in the literature in individuals affected with ATP1A1-related conditions. This variant is present in population databases (rs768375815, gnomAD 0.006%). This sequence change replaces glutamic acid, which is acidic and polar, with lysine, which is basic and polar, at codon 676 of the ATP1A1 protein (p.Glu676Lys).

NM_000701.8(ATP1A1):c.2026G>A (p.Glu676Lys)

Genes: ATP1A1 (ATPase Na+/K+ transporting subunit alpha 1; plus strand), ATP1A1-AS1 (ATP1A1 antisense RNA 1; minus strand). Cytogenetic location: 1p13.1.
Variant type: single nucleotide variant.
Coding change: c.2026G>A on transcript NM_000701.8 (MANE Select); coding-DNA position 2026, G replaced by A.
Protein change: p.Glu676Lys; replaces glutamic acid 676 with lysine.
Molecular consequence: missense variant.
Genome position (GRCh38, 1-based): chr1:116,397,940, G>A. VCF-style: chr1-116397940-G-A. GRCh37 (hg19) VCF-style: chr1-116940562-G-A.
Other names: c.2026G>A, p.Glu676Lys (NM_001160233.2); c.1933G>A, p.Glu645Lys (NM_001160234.2); short protein forms E645K, E676K.
Identifiers: ClinVar variation 2985704 (VCV002985704.3), dbSNP rs768375815, ClinGen allele CA1025464.
Genomic context (GRCh38, chr1:116,397,940, plus strand): 5'-AATTCTAGGGATGCCAAGGCCTGCGTAGTACACGGCAGTGATCTAAAGGACATGACCTCC[G>A]AGCAGCTGGATGACATTTTGAAGTACCACACTGAGATAGTGTTTGCCAGGACCTCCCCTC-3'
Protein context (NP_000692.2, residues 666-686): HGSDLKDMTS[Glu676Lys]QLDDILKYHT